The following is an entry in ClinVar:

NM_014008.5(CCDC22):c.1212G>A (p.Gln404=)

Gene: CCDC22 (coiled-coil domain containing 22; plus strand). Cytogenetic location: Xp11.23.
Variant type: single nucleotide variant.
Coding change: c.1212G>A on transcript NM_014008.5 (MANE Select); coding-DNA position 1212, G replaced by A.
Protein change: p.Gln404=; no amino-acid change (glutamine 404 retained).
Molecular consequence: synonymous variant.
Genome position (GRCh38, 1-based): chrX:49,248,310, G>A. VCF-style: chrX-49248310-G-A. GRCh37 (hg19) VCF-style: chrX-49104771-G-A.
Identifiers: ClinVar variation 3390715 (VCV003390715.1).

ClinVar aggregate classification (germline): Uncertain significance (1 of 4 stars; one submission).

Submission:

GeneDx
Classification: Uncertain significance. Last evaluated: 2024-06-13. Review status: criteria provided, single submitter. Criteria: GeneDx Variant Classification Process June 2021. Collection method: clinical testing. Allele origin: germline. Affected: yes.
Comment: Not observed at significant frequency in large population cohorts (gnomAD); In silico analysis supports a deleterious effect on splicing; Has not been previously published as pathogenic or benign to our knowledge